The following is an entry in ClinVar:

NM_012330.4(KAT6B):c.621+246C>T

Gene: KAT6B (lysine acetyltransferase 6B; plus strand). Cytogenetic location: 10q22.2.
Variant type: single nucleotide variant.
Coding change: c.621+246C>T on transcript NM_012330.4 (MANE Select); 246 bases into the intron after coding-DNA position 621, C replaced by T.
Molecular consequence: intron variant.
Genome position (GRCh38, 1-based): chr10:74,843,724, C>T. VCF-style: chr10-74843724-C-T. GRCh37 (hg19) VCF-style: chr10-76603482-C-T.
Other names: c.621+246C>T (NM_001370139.1, NM_001370136.1, NM_001370138.1 and 10 more transcripts); c.83+246C>T (NM_001370134.1, NM_001370135.1).
Identifiers: ClinVar variation 561579 (VCV000561579.1), dbSNP rs11001179, ClinGen allele CA13269616.
Genomic context (GRCh38, chr10:74,843,724, plus strand): 5'-TGGTTGGCCAAGAATTTAATGGAAGAGTCATGTGGTTTGTTTTTAAGCTCTAATTGCTAA[C>T]TGGTTGGTGTCTGAAGGGACCAGGAAGGATAATATTGATCTTTCTTCATCCAGGCAGGGT-3'

ClinVar aggregate classification (germline): Benign (1 of 4 stars; one submission).

Allele frequency attached by ClinVar (database versions not stated): gnomAD 0.30678 and 0.30826; TOPMed 0.33437; 1000 Genomes Project 0.44649; 1000 Genomes Project 30x 0.45284.
gnomAD v4.1: 46,549 of 152,100 alleles (31%); highest among the groups gnomAD compares: African/African-American, 71%; 12,573 homozygotes.

Submission:

GeneDx
Classification: Benign. Last evaluated: 2018-06-16. Review status: criteria provided, single submitter. Criteria: GeneDx Variant Classification (06012015). Collection method: clinical testing. Allele origin: germline. Affected: yes.
Comment: This variant is considered likely benign or benign based on one or more of the following criteria: it is a conservative change, it occurs at a poorly conserved position in the protein, it is predicted to be benign by multiple in silico algorithms, and/or has population frequency not consistent with disease.